The following is an entry in ClinVar:

NM_033380.3(COL4A5):c.601G>C (p.Gly201Arg)

Gene: COL4A5 (collagen type IV alpha 5 chain; plus strand). Cytogenetic location: Xq22.3.
Variant type: single nucleotide variant.
Coding change: c.601G>C on transcript NM_033380.3 (MANE Select); coding-DNA position 601, G replaced by C.
Protein change: p.Gly201Arg; replaces glycine 201 with arginine.
Molecular consequence: missense variant.
Genome position (GRCh38, 1-based): chrX:108,575,964, G>C. VCF-style: chrX-108575964-G-C. GRCh37 (hg19) VCF-style: chrX-107819194-G-C.
Other names: c.601G>C, p.Gly201Arg (NM_000495.5); short protein forms G201R.
Identifiers: ClinVar variation 4796726 (VCV004796726.1).

ClinVar aggregate classification (germline): Uncertain significance (1 of 4 stars; one submission).

Conditions:
X-linked Alport syndrome (ATS1). Also called: COL4A5-Related Nephropathy; NEPHROPATHY AND DEAFNESS, X-LINKED. Identifiers: Orphanet 63, Orphanet 88917, MedGen C4746986, MONDO:0010520, OMIM 301050.

Submission:

Department of Nephrology, Rheumatology and Immunology, Shanghai Children's Hospital
Classification: Uncertain significance for X-linked Alport syndrome. Last evaluated: 2017-02-20. Review status: criteria provided, single submitter. Criteria: ACMG Guidelines, 2015. Collection method: clinical testing. Allele origin: maternal. Affected: yes. Observed: 1 variant allele.
Comment: The NM_000495.5(COL4A5):c.601G>C (p.Gly201Arg) is a missense variant located in a Gly-X-Y repeat of the collagenous domain. This variant is not observed in the gnomAD v3.1.2 (GRCh38) population database (PM2). Multiple computational tools, including SIFT and PolyPhen, predict this variant to have a deleterious effect on the protein product (PP3). In summary, this variant meets criteria to be classified as Uncertain Significance for Alport syndrome based on the ACMG/AMP 2015 criteria applied: PM2, PP1, PP3, PP4.